The following is an entry in ClinVar:

NM_000288.4(PEX7):c.864del (p.Phe288fs)

Gene: PEX7 (peroxisomal biogenesis factor 7; plus strand). Cytogenetic location: 6q23.3.
Variant type: Deletion.
Coding change: c.864del on transcript NM_000288.4 (MANE Select); coding-DNA position 864, one base deleted (T; older notation c.864delT).
Protein change: p.Phe288fs; shifts the reading frame from phenylalanine 288.
Molecular consequence: frameshift variant.
Genome position (GRCh38, 1-based): chr6:136,898,202, T deleted; the last of 3 consecutive T bases (chr6:136,898,200-136,898,202); deleting any one gives the same sequence. VCF-style (leftmost placement, unchanged base first): chr6-136898199-GT-G. GRCh37 (hg19) VCF-style: chr6-137219337-GT-G.
Other names: c.750del, p.Phe250fs (NM_001410945.1); short protein forms F250fs, F288fs.
Identifiers: ClinVar variation 4818133 (VCV004818133.1).
Genomic context (GRCh38, chr6:136,898,199, plus strand): 5'-CAGATTCTGGAACTTTTCAAAGCCTGACTCTCTTCTTGAAACAGTGGAGCATCATACAGA[GT>G]TTACTTGTGGTTTAGACTTCAGTCTTCAGAGCCCCACTCAGGTAACGGATACAATCTCAT-3'

ClinVar aggregate classification (germline): Likely pathogenic (1 of 4 stars; one submission).

Conditions:
Rhizomelic chondrodysplasia punctata (RCDP). Identifiers: Orphanet 177, MedGen C0282529, MONDO:0015776. Disease mechanism: loss of function.

Submission:

Natera, Inc.
Classification: Likely pathogenic for Rhizomelic Chondrodysplasia Punctata. Last evaluated: 2025-12-29. Review status: criteria provided, single submitter. Criteria: Natera Variant Classification Schema (03/2026). Collection method: clinical testing. Allele origin: germline.
Comment: The c.864del variant in PEX7 is a frameshift variant predicted to shift the reading frame beginning at codon 288 and leads to a stop codon 5 codons downstream. This variant is expected to result in nonsense mediated decay, truncation, or a dysfunctional protein product. This variant is rare in the general population with a frequency below the threshold expected for the associated phenotype(s). Given the available evidence, this variant is classified as Likely Pathogenic.